The following is an entry in ClinVar:

NM_005431.2(XRCC2):c.407T>C (p.Met136Thr)

Gene: XRCC2 (X-ray repair cross complementing 2; minus strand). Cytogenetic location: 7q36.1.
Variant type: single nucleotide variant.
Coding change: c.407T>C on transcript NM_005431.2 (MANE Select); coding-DNA position 407, T replaced by C.
Protein change: p.Met136Thr; replaces methionine 136 with threonine.
Molecular consequence: missense variant.
Genome position (GRCh38, 1-based): chr7:152,649,078, A>G on the plus strand (T>C on the coding strand, the complement: XRCC2 is on the minus strand). VCF-style: chr7-152649078-A-G. GRCh37 (hg19) VCF-style: chr7-152346163-A-G.
Other names: short protein forms M136T.
Identifiers: ClinVar variation 3817834 (VCV003817834.1).

ClinVar aggregate classification (germline): Uncertain significance (1 of 4 stars; one submission).

Conditions:
Hereditary cancer-predisposing syndrome. Also called: Hereditary neoplastic syndrome; Neoplastic Syndromes, Hereditary; Tumor predisposition; Hereditary Cancer Syndrome. Identifiers: Orphanet 140162, MedGen C0027672, MeSH D009386, MONDO:0015356.

Submission:

Ambry Genetics
Classification: Uncertain significance for Hereditary cancer-predisposing syndrome. Last evaluated: 2024-12-20. Review status: criteria provided, single submitter. Criteria: Ambry Variant Classification Scheme 2023. Collection method: clinical testing. Allele origin: germline.
Comment: The p.M136T variant (also known as c.407T>C), located in coding exon 3 of the XRCC2 gene, results from a T to C substitution at nucleotide position 407. The methionine at codon 136 is replaced by threonine, an amino acid with similar properties. This amino acid position is conserved. In addition, this alteration is predicted to be tolerated by in silico analysis. Based on the available evidence, the clinical significance of this variant remains unclear.